The following is an entry in ClinVar:

NM_000419.5(ITGA2B):c.2473_2478delinsTCACCAGGGCCTTCACCTCAGCATCCACCAG (p.Val825fs)

Gene: ITGA2B (integrin subunit alpha 2b; minus strand). Cytogenetic location: 17q21.31.
Variant type: Indel.
Coding change: c.2473_2478delinsTCACCAGGGCCTTCACCTCAGCATCCACCAG on transcript NM_000419.5 (MANE Select); coding-DNA positions 2473 to 2478, the reference bases replaced by an inserted sequence.
Protein change: p.Val825fs; shifts the reading frame from valine 825.
Molecular consequence: frameshift variant.
Genome position (GRCh38, 1-based): chr17:44,375,956-44,375,961, 6 bases replaced. GRCh37 (hg19): chr17:42,453,324-42,453,329.
Other names: NM_000419.5:c.2473_2478delinsTCACCAGGGCCTTCACCTCAGCATCCACCAG; short protein forms V825fs.
Identifiers: ClinVar variation 2674650 (VCV002674650.1), dbSNP rs2510074739, ClinGen allele CA913184731.
Genomic context (GRCh38, chr17:44,375,956, plus strand): 5'-GATGTAGAGCAGGTCGGAGGGCTGGGACTGTCCCGGAAGGTGGATGCTGAGGTGAAGACC[ATTCAC>CTGGTGGATGCTGAGGTGAAGGCCCTGGTGA]AGTCCCAGGGCCATTGTTGTGGAGCTGAAGGGGTGGTGGTGGCAGGGTGTGGGGAGCTTA-3'

ClinVar aggregate classification (germline): Pathogenic (3 of 4 stars; one submission).

Conditions:
Glanzmann thrombasthenia. Also called: Thrombasthenia; BLEEDING DISORDER, PLATELET-TYPE, 2; THROMBASTHENIA OF GLANZMANN AND NAEGELI; PLATELET GLYCOPROTEIN IIb-IIIa DEFICIENCY; Glanzmann's thrombasthenia. Identifiers: Orphanet 849, MedGen C0040015, MONDO:0100326.

Submission:

ClinGen Platelet Disorders Variant Curation Expert Panel, ClinGen
Classification: Pathogenic for Glanzmann thrombasthenia. Last evaluated: 2023-10-17. Review status: reviewed by expert panel. Criteria: ClinGen Platelet ACMG Specifications v2-1. Collection method: curation. Allele origin: germline. Inheritance: Autosomal recessive inheritance.
Comment: The c.2473_2478delinsTCACCAGGGCCTTCACCTCAGCATCCACCAG frameshift variant in ITGA2B occurs within exon 25. It is predicted to result in an out of frame deletion of 6 bp and an insertion of 31 bp at the beginning of exon 25 of the GPllb gene. This is predicted to result in a frameshift with a premature stop codon in exon 27 of 30, which would be expected to result in NMD. However, the predominant platelet GPIIb mRNA of the proband, reported in PMID: 7529063, was a product of the splicing of exon 24 to a cryptic AG acceptor site in the insertion and encodes for a substitution of 10 amino acids Leu817-Asn826 by an altered sequence of 8 amino acids, followed by normal translation of the rest of the protein. Overall the protein had a length reduction of 2 amino acids (PM4). At least one patient (Patient 1 in PMID: 7529063) with this variant displayed mucocutaneous bleeding and impaired aggregation with all agonists except ristocetin, which is highly specific for Glanzmann thrombasthenia. Additionally, immunoblotting showed small amounts of GPIIIa and minute amounts of pro-GPIlb confirming type 1 GT (PP4_moderate). The variant has been reported to segregate with Glanzmann thrombasthenia in the proband (confirmed by bleeding phenotype and platelet aggregometry) plus one affected family member (PMID: 7529063) , both with the homozygous genotype with the p.Val825SerfsTer? variant (PP1; PM3_supporting). Surface expression of αIIbβ3 measured by flow cytometry in COS-7 cells transiently co-transfected with the c.2473_2478delinsTCACCAGGGCCTTCACCTCAGCATCCACCAG variant αIIb and wild type β3 showed decreased expression at <5% WT levels, indicating that this variant impacts protein function (PMID:7529063 )(PS3). This variant is absent from gnomAD v2.1.1 (PM2_Supporting). In summary, this variant meets the criteria to be classified as Pathogenic for autosomal recessive Glanzmann Thrombasthenia based on the ACMG/AMP criteria applied, as specified by the ClinGen PD VCEP: PS3, PP4_Moderate, PM4, PP1, PM2_Supporting and PM3_Supporting (VCEP specifications version 2).

Literature cited by the submitters: PubMed 7529063.